The following is an entry in ClinVar:

ClinVar aggregate classification (germline): Conflicting classifications of pathogenicity. Review status: criteria provided, conflicting classifications (1 of 4 stars). 4 submissions from 4 submitters: Uncertain significance (3); Likely benign (1). Last evaluated 2026-01-19.

Allele frequency attached by ClinVar (database versions not stated): gnomAD exomes 0.00013 and 0.00023; ESP Exome Variant Server 0.00024; ExAC 0.00018; gnomAD 0.00019 and 0.00022; TOPMed 0.00020.
gnomAD v4.1: 235 of 1,614,084 alleles (0.015%); highest among the groups gnomAD compares: African/African-American, 0.017%; no homozygotes.

Submissions (4):

Labcorp Genetics (formerly Invitae), Labcorp
Classification: Likely benign. Last evaluated: 2026-01-19. Review status: criteria provided, single submitter. Criteria: Invitae Variant Classification Sherloc (09022015). Collection method: clinical testing. Allele origin: germline.

Mayo Clinic Laboratories, Mayo Clinic
Classification: Uncertain significance. Last evaluated: 2024-11-05. Review status: criteria provided, single submitter. Criteria: ACMG Guidelines, 2015. Collection method: clinical testing. Allele origin: germline. Observed: 2 variant alleles.
Comment: BS1

Ambry Genetics
Classification: Uncertain significance. Last evaluated: 2021-08-17. Review status: criteria provided, single submitter. Criteria: Ambry Variant Classification Scheme 2023. Collection method: clinical testing. Allele origin: germline.

CeGaT Center for Human Genetics Tuebingen
Classification: Uncertain significance. Last evaluated: 2019-03-01. Review status: criteria provided, single submitter. Criteria: CeGaT Center For Human Genetics Tuebingen Variant Classification Criteria Version 2. Collection method: clinical testing. Allele origin: germline. Affected: yes. Observed: 1 variant allele.

NM_002972.4(SBF1):c.2464G>A (p.Val822Ile)

Gene: SBF1 (SET binding factor 1; minus strand). Cytogenetic location: 22q13.33.
Variant type: single nucleotide variant.
Coding change: c.2464G>A on transcript NM_002972.4 (MANE Select); coding-DNA position 2464, G replaced by A.
Protein change: p.Val822Ile; replaces valine 822 with isoleucine.
Molecular consequence: missense variant.
Genome position (GRCh38, 1-based): chr22:50,462,052, C>T on the plus strand (G>A on the coding strand, the complement: SBF1 is on the minus strand). VCF-style: chr22-50462052-C-T. GRCh37 (hg19) VCF-style: chr22-50900481-C-T.
Other names: c.2467G>A, p.Val823Ile (NM_001365819.1); c.2464G>A (NM_002972.2); short protein forms V823I, V822I.
Identifiers: ClinVar variation 809390 (VCV000809390.53), dbSNP rs201061231, ClinGen allele CA10317192.